The following is an entry in ClinVar:

ClinVar aggregate classification (germline): Uncertain significance (1 of 4 stars; one submission).

Conditions:
Hereditary insensitivity to pain with anhidrosis (CIPA). Also called: NTRK1 Congenital Insensitivity to Pain with Anhidrosis; INSENSITIVITY TO PAIN, CONGENITAL, WITH ANHIDROSIS; hereditary sensory and autonomic neuropathy type 4; HSAN Type IV; FAMILIAL DYSAUTONOMIA, TYPE II; NEUROPATHY, CONGENITAL SENSORY, WITH ANHIDROSIS. Identifiers: Orphanet 642, MedGen C0020074, MONDO:0009746, OMIM 256800.

Submission:

Labcorp Genetics (formerly Invitae), Labcorp
Classification: Uncertain significance for Hereditary insensitivity to pain with anhidrosis. Last evaluated: 2022-07-04. Review status: criteria provided, single submitter. Criteria: Invitae Variant Classification Sherloc (09022015). Collection method: clinical testing. Allele origin: germline.
Comment: This variant, c.231_232delinsTT, is a complex sequence change that results in the deletion of 2 and insertion of 2 amino acid(s) in the NTRK1 protein (p.Gln77_His78delinsHisTyr). Information on the frequency of this variant in the gnomAD database is not available, as this variant may be reported differently in the database. This variant has not been reported in the literature in individuals affected with NTRK1-related conditions. Experimental studies and prediction algorithms are not available or were not evaluated, and the functional significance of this variant is currently unknown. In summary, the available evidence is currently insufficient to determine the role of this variant in disease. Therefore, it has been classified as a Variant of Uncertain Significance.

NM_002529.4(NTRK1):c.231_232delinsTT (p.Gln77_His78delinsHisTyr)

Gene: NTRK1 (neurotrophic receptor tyrosine kinase 1; plus strand). Cytogenetic location: 1q23.1.
Variant type: Indel.
Coding change: c.231_232delinsTT on transcript NM_002529.4 (MANE Select); coding-DNA positions 231 to 232, GC replaced by TT.
Protein change: p.Gln77_His78delinsHisTyr.
Molecular consequence: missense variant.
Genome position (GRCh38, 1-based): chr1:156,864,372-156,864,373, GC replaced by TT. VCF-style: chr1-156864372-GC-TT. GRCh37 (hg19) VCF-style: chr1-156834164-GC-TT.
Other names: c.231_232delGCinsTT, p.Gln77_His78delinsHisTyr (NM_001007204.1); c.141_142delinsTT, p.Gln47_His48delinsHisTyr (NM_001007792.1); c.231_232delinsTT, p.Gln77_His78delinsHisTyr (NM_001012331.2).
Identifiers: ClinVar variation 1899545 (VCV001899545.2), dbSNP rs2525571862, ClinGen allele CA2580061205.